The following is an entry in ClinVar:

ClinVar aggregate classification (germline): Uncertain significance (1 of 4 stars; one submission).

Conditions:
Familial thoracic aortic aneurysm and aortic dissection (TAAD). Also called: Thoracic aortic aneurysms and dissections. Identifiers: Orphanet 91387, MedGen C4707243, MONDO:0019625.

gnomAD v4.1: 26 of 1,614,108 alleles (0.0016%); highest among the groups gnomAD compares: Non-Finnish European, 0.0019%; no homozygotes.

Submission:

Ambry Genetics
Classification: Uncertain significance for Familial thoracic aortic aneurysm and aortic dissection. Last evaluated: 2025-07-09. Review status: criteria provided, single submitter. Criteria: Ambry Variant Classification Scheme 2023. Collection method: clinical testing. Allele origin: germline.
Comment: The p.G1769D variant (also known as c.5306G>A), located in coding exon 41 of the FBN2 gene, results from a G to A substitution at nucleotide position 5306. The glycine at codon 1769 is replaced by aspartic acid, an amino acid with similar properties. This amino acid position is highly conserved in available vertebrate species. In addition, this alteration is predicted to be deleterious by in silico analysis. Based on the available evidence, the clinical significance of this variant remains unclear.

NM_001999.4(FBN2):c.5306G>A (p.Gly1769Asp)

Gene: FBN2 (fibrillin 2; minus strand). Cytogenetic location: 5q23.3.
Variant type: single nucleotide variant.
Coding change: c.5306G>A on transcript NM_001999.4 (MANE Select); coding-DNA position 5306, G replaced by A.
Protein change: p.Gly1769Asp; replaces glycine 1769 with aspartic acid.
Molecular consequence: missense variant.
Genome position (GRCh38, 1-based): chr5:128,309,294, C>T on the plus strand (G>A on the coding strand, the complement: FBN2 is on the minus strand). VCF-style: chr5-128309294-C-T. GRCh37 (hg19) VCF-style: chr5-127644986-C-T.
Other names: short protein forms G1769D.
Identifiers: ClinVar variation 4255471 (VCV004255471.1).
Genomic context (GRCh38, chr5:128,309,294, plus strand): 5'-GCCGTGTGCTTACCTGTTCCTGGAGTTGGGCATGGTTCACAAGGTTTGTTCCAGGCTTTG[C>T]CCACATTATATGTGCAGCAGCACATCCTTTTTGTCACATTGAAAGGCAACTCATTCTCAC-3'
Protein context (NP_001990.2, residues 1759-1779): KRMCCCTYNV[Gly1769Asp]KAWNKPCEPC